The following is an entry in ClinVar:

ClinVar aggregate classification (germline): Likely benign. Review status: criteria provided, multiple submitters, no conflicts (2 of 4 stars). 3 submissions from 3 submitters: Likely benign (3). Last evaluated 2025-10-08.

Conditions:
Hereditary cancer-predisposing syndrome. Also called: Neoplastic Syndromes, Hereditary; Hereditary Cancer Syndrome; Hereditary neoplastic syndrome; Tumor predisposition. Identifiers: Orphanet 140162, MedGen C0027672, MeSH D009386, MONDO:0015356.
Familial adenomatous polyposis 2. Also called: ADENOMAS, MULTIPLE COLORECTAL, AUTOSOMAL RECESSIVE; MYH-associated polyposis; Adenomas, multiple colorectal; MUTYH Polyposis; COLORECTAL ADENOMATOUS POLYPOSIS, AUTOSOMAL RECESSIVE; FAP type 2. Identifiers: Orphanet 220460, Orphanet 247798, MedGen C3272841, MONDO:0012041, OMIM 608456.

Allele frequency attached by ClinVar (database versions not stated): gnomAD exomes below 0.00001.

Submissions (3):

Labcorp Genetics (formerly Invitae), Labcorp
Classification: Likely benign for Familial adenomatous polyposis 2. Last evaluated: 2025-10-08. Review status: criteria provided, single submitter. Criteria: Invitae Variant Classification Sherloc (09022015). Collection method: clinical testing. Allele origin: germline.

Color Diagnostics, LLC DBA Color Health
Classification: Likely benign for Hereditary cancer-predisposing syndrome. Last evaluated: 2017-02-10. Review status: criteria provided, single submitter. Criteria: ACMG Guidelines, 2015. Collection method: clinical testing. Allele origin: germline.

GeneDx
Classification: Likely benign. Last evaluated: 2016-08-09. Review status: criteria provided, single submitter. Criteria: GeneDx Variant Classification (06012015). Collection method: clinical testing. Allele origin: germline. Affected: yes.
Comment: This variant is considered likely benign or benign based on one or more of the following criteria: it is a conservative change, it occurs at a poorly conserved position in the protein, it is predicted to be benign by multiple in silico algorithms, and/or has population frequency not consistent with disease.

NM_001048174.2(MUTYH):c.265-7T>C

Gene: MUTYH (mutY DNA glycosylase; minus strand). Cytogenetic location: 1p34.1.
Variant type: single nucleotide variant.
Coding change: c.265-7T>C on transcript NM_001048174.2 (MANE Select); 7 bases into the intron before coding-DNA position 265, T replaced by C.
Molecular consequence: intron variant.
Genome position (GRCh38, 1-based): chr1:45,333,331, A>G on the plus strand (T>C on the coding strand, the complement: MUTYH is on the minus strand). VCF-style: chr1-45333331-A-G. GRCh37 (hg19) VCF-style: chr1-45799003-A-G.
Other names: c.-7-7T>C (NM_001350651.2, NM_001350650.2); c.-12-7T>C (NM_001293192.2, NM_001293196.2); c.265-7T>C (NM_001048171.2, NM_001048173.2, NM_001293195.2); c.310-7T>C (NM_001293190.2); c.340-7T>C (NM_012222.3); c.349-7T>C (NM_001128425.2); c.268-7T>C (NM_001048172.2); c.298-7T>C (NM_001293191.2).
Identifiers: ClinVar variation 378182 (VCV000378182.14), dbSNP rs1034878313, ClinGen allele CA16603739.